The following is an entry in ClinVar:

NM_004304.5(ALK):c.3305C>A (p.Thr1102Asn)

Gene: ALK (ALK receptor tyrosine kinase; minus strand). Cytogenetic location: 2p23.2.
Variant type: single nucleotide variant.
Coding change: c.3305C>A on transcript NM_004304.5 (MANE Select); coding-DNA position 3305, C replaced by A.
Protein change: p.Thr1102Asn; replaces threonine 1102 with asparagine.
Molecular consequence: missense variant.
Genome position (GRCh38, 1-based): chr2:29,223,396, G>T on the plus strand (C>A on the coding strand, the complement: ALK is on the minus strand). VCF-style: chr2-29223396-G-T. GRCh37 (hg19) VCF-style: chr2-29446262-G-T.
Other names: c.101C>A, p.Thr34Asn (NM_001353765.2); short protein forms T34N, T1102N.
Identifiers: ClinVar variation 2125216 (VCV002125216.4), dbSNP rs1295561133, ClinGen allele CA346464797.

ClinVar aggregate classification (germline): Uncertain significance (1 of 4 stars; one submission).

Conditions:
Neuroblastoma, susceptibility to, 3. Also called: ALK-Related Neuroblastic Tumor Susceptibility. Identifiers: Orphanet 635, MedGen C2751681, MONDO:0013083, OMIM 613014.

Submission:

Labcorp Genetics (formerly Invitae), Labcorp
Classification: Uncertain significance for Neuroblastoma, susceptibility to, 3. Last evaluated: 2024-11-20. Review status: criteria provided, single submitter. Criteria: Invitae Variant Classification Sherloc (09022015). Collection method: clinical testing. Allele origin: germline.
Comment: This sequence change replaces threonine, which is neutral and polar, with asparagine, which is neutral and polar, at codon 1102 of the ALK protein (p.Thr1102Asn). This variant is not present in population databases (gnomAD no frequency). This variant has not been reported in the literature in individuals affected with ALK-related conditions. ClinVar contains an entry for this variant (Variation ID: 2125216). An algorithm developed to predict the effect of missense changes on protein structure and function (PolyPhen-2) suggests that this variant is likely to be tolerated. In summary, the available evidence is currently insufficient to determine the role of this variant in disease. Therefore, it has been classified as a Variant of Uncertain Significance.